The following is an entry in ClinVar:

NM_203447.4(DOCK8):c.2590G>A (p.Asp864Asn)

Gene: DOCK8 (dedicator of cytokinesis 8; plus strand). Cytogenetic location: 9p24.3.
Variant type: single nucleotide variant.
Coding change: c.2590G>A on transcript NM_203447.4 (MANE Select); coding-DNA position 2590, G replaced by A.
Protein change: p.Asp864Asn; replaces aspartic acid 864 with asparagine.
Molecular consequence: missense variant.
Genome position (GRCh38, 1-based): chr9:379,920, G>A. VCF-style: chr9-379920-G-A. GRCh37 (hg19) VCF-style: chr9-379920-G-A.
Other names: c.2386G>A, p.Asp796Asn (NM_001190458.2, NM_001193536.2); short protein forms D864N, D796N.
Identifiers: ClinVar variation 451486 (VCV000451486.2), dbSNP rs746815514, ClinGen allele CA4958238.

ClinVar aggregate classification (germline): Uncertain significance (1 of 4 stars; one submission).

Allele frequency attached by ClinVar (database versions not stated): ExAC 0.00001; gnomAD exomes below 0.00001; TOPMed 0.00002.
gnomAD v4.1: 5 of 1,613,906 alleles (0.00031%); highest among the groups gnomAD compares: African/African-American, 0.004%; no homozygotes.

Submission:

GeneDx
Classification: Uncertain significance. Last evaluated: 2017-08-23. Review status: criteria provided, single submitter. Criteria: GeneDx Variant Classification (06012015). Collection method: clinical testing. Allele origin: germline. Affected: yes.
Comment: The D864N variant has not been published as a pathogenic variant, nor has it been reported as a benign variant to our knowledge. The variant is not observed at a significant frequency in large population cohorts (Lek et al., 2016; 1000 Genomes Consortium et al., 2015; Exome Variant Server). D864N is a semi-conservative amino acid substitution, which may impact secondary protein structure as these residues differ in some properties. This substitution occurs at a position where amino acids with similar properties to Aspartic acid are tolerated across species. In silico analysis is inconsistent in its predictions as to whether or not the variant is damaging to the protein structure/function. In summary, based on the currently available information, it is unclear whether this variant is a pathogenic variant or a rare benign variant.